The following is an entry in ClinVar:

NM_002234.4(KCNA5):c.1515C>G (p.Val505=)

Gene: KCNA5 (potassium voltage-gated channel subfamily A member 5; plus strand). Cytogenetic location: 12p13.32.
Variant type: single nucleotide variant.
Coding change: c.1515C>G on transcript NM_002234.4 (MANE Select); coding-DNA position 1515, C replaced by G.
Protein change: p.Val505=; no amino-acid change (valine 505 retained).
Molecular consequence: synonymous variant.
Genome position (GRCh38, 1-based): chr12:5,045,662, C>G. VCF-style: chr12-5045662-C-G. GRCh37 (hg19) VCF-style: chr12-5154828-C-G.
Identifiers: ClinVar variation 4695267 (VCV004695267.1).
Genomic context (GRCh38, chr12:5,045,662, plus strand): 5'-CATGAGGCCCATCACTGTTGGGGGCAAGATCGTGGGCTCGCTGTGTGCCATCGCCGGGGT[C>G]CTCACCATTGCCCTGCCTGTGCCCGTCATCGTCTCCAACTTCAACTACTTCTACCACCGG-3'
Protein context (NP_002225.2, residues 495-515): IVGSLCAIAG[Val505=]LTIALPVPVI

ClinVar aggregate classification (germline): Uncertain significance (1 of 4 stars; one submission).

Conditions:
Atrial fibrillation, familial, 7 (ATFB7). Identifiers: MedGen C2677106, MONDO:0012828, OMIM 612240.

Submission:

Labcorp Genetics (formerly Invitae), Labcorp
Classification: Uncertain significance for Atrial fibrillation, familial, 7. Last evaluated: 2026-01-28. Review status: criteria provided, single submitter. Criteria: Invitae Variant Classification Sherloc (09022015). Collection method: clinical testing. Allele origin: germline.
Comment: This sequence change affects codon 505 of the KCNA5 mRNA. It is a 'silent' change, meaning that it does not change the encoded amino acid sequence of the KCNA5 protein. This variant is not present in population databases (gnomAD no frequency). This variant has not been reported in the literature in individuals affected with KCNA5-related conditions. In summary, the available evidence is currently insufficient to determine the role of this variant in disease. Therefore, it has been classified as a Variant of Uncertain Significance.